The following is an entry in ClinVar:

ClinVar aggregate classification (germline): Pathogenic. Review status: reviewed by expert panel (3 of 4 stars). 3 submissions from 3 submitters: Pathogenic (1). 2 of the submissions do not count toward it. Last evaluated 2026-06-23.

Conditions:
RPE65-related recessive retinopathy. Also called: Recessive RPE65 retinopathy. Identifiers: MedGen CN305526, MONDO:0100368.
Leber congenital amaurosis 2 (LCA2). Also called: AMAUROSIS CONGENITA OF LEBER II; Autosomal Recessive RPE65-Related Retinal Degeneration. Identifiers: Orphanet 65, MedGen C1859844, MONDO:0008765, OMIM 204100. Disease mechanism: loss of function.
Retinitis pigmentosa 20 (RP20). Identifiers: Orphanet 791, MedGen C3151086, MONDO:0013425, OMIM 613794.

Allele frequency attached by ClinVar (database versions not stated): gnomAD exomes below 0.00001; TOPMed below 0.00001.
gnomAD v4.1: 1 of 1,613,814 alleles (0.000062%); highest among the groups gnomAD compares: Non-Finnish European, 0.000085%; no homozygotes.

Submissions (3):

ClinGen Leber Congenital Amaurosis/early Onset Retinal Dystrophy Variant Curation Expert Panel, ClinGen
Classification: Pathogenic for RPE65-related recessive retinopathy. Last evaluated: 2026-06-23. Review status: reviewed by expert panel. Criteria: ClinGen LCAeoRD ACMG Specifications RPE65 V1.0.0. Collection method: curation. Allele origin: germline. Inheritance: Autosomal recessive inheritance.
Comment: NM_000329.3(RPE65):c.1243+1G>A is a non-coding variant that disrupts a canonical splice site in intron 11 and is predicted to lead to skipping of an out-of-frame critical exon, resulting in a frameshift and likely nonsense-mediated decay in a gene in which loss-of-function is an established mechanism of disease (PVS1). This variant is located at the splice donor +1 dinucleotide position and has a comparable Pathogenic variant within the same splice donor site at the +2 dinucleotide position, NM_000329.3:c.1243+2T>A, with the same predicted impact (PS1_Supporting). This variant is present in gnomAD v.4.1.1 at a total allele frequency of 0.0000006197, with 1 allele / 1,613,814 total alleles in the European (non-Finnish) population , which is lower than the ClinGen LCA / eoRD VCEP PM2_Supporting threshold of <0.0002 (PM2_Supporting). This variant has not been published in a proband with early-onset severe retinal dystrophy, but has been included in a supplementary table in a study about carrier frequency and genetic prevalence of autosomal recessive inherited retinal diseases (PMID: 31964843). In summary, this variant meets the criteria to be classified as Pathogenic for RPE65-related recessive retinopathy based on the ACMG/AMP criteria applied, as specified by the ClinGen LCA / eoRD VCEP: PVS1, PS1_Supporting, and PM2_Supporting. (VCEP specifications version 1.0.0; date of approval 09/21/2023).

GeneDx
Classification: Likely pathogenic. Last evaluated: 2024-07-10. Review status: criteria provided, single submitter. Criteria: GeneDx Variant Classification Process June 2021. Collection method: clinical testing. Allele origin: germline. Affected: yes. Not counted in ClinVar's aggregate classification.
Comment: Canonical splice site variant predicted to result in a null allele in a gene for which loss of function is a known mechanism of disease; Not observed at significant frequency in large population cohorts (gnomAD); Has not been previously published as pathogenic or benign to our knowledge; This variant is associated with the following publications: (PMID: 31964843)

Labcorp Genetics (formerly Invitae), Labcorp
Classification: Likely pathogenic for Leber congenital amaurosis 2; Retinitis pigmentosa 20. Last evaluated: 2021-12-17. Review status: criteria provided, single submitter. Criteria: Invitae Variant Classification Sherloc (09022015). Collection method: clinical testing. Allele origin: germline. Not counted in ClinVar's aggregate classification.
Comment: In summary, the currently available evidence indicates that the variant is pathogenic, but additional data are needed to prove that conclusively. Therefore, this variant has been classified as Likely Pathogenic. Algorithms developed to predict the effect of sequence changes on RNA splicing suggest that this variant may disrupt the consensus splice site. ClinVar contains an entry for this variant (Variation ID: 1066954). Disruption of this splice site has been observed in individual(s) with retinitis pigmentosa (Invitae). This variant is present in population databases (no rsID available, gnomAD 0.007%). This sequence change affects a donor splice site in intron 11 of the RPE65 gene. It is expected to disrupt RNA splicing. Variants that disrupt the donor or acceptor splice site typically lead to a loss of protein function (PMID: 16199547), and loss-of-function variants in RPE65 are known to be pathogenic (PMID: 9326941, 9501220, 9843205, 18632300).

Literature cited by the submitters: PubMed 16199547 (cited by Labcorp Genetics (formerly Invitae), Labcorp); PubMed 9326941 (cited by Labcorp Genetics (formerly Invitae), Labcorp); PubMed 9501220 (cited by Labcorp Genetics (formerly Invitae), Labcorp); PubMed 9843205 (cited by Labcorp Genetics (formerly Invitae), Labcorp); PubMed 18632300 (cited by Labcorp Genetics (formerly Invitae), Labcorp).

NM_000329.3(RPE65):c.1243+1G>A

Gene: RPE65 (retinoid isomerohydrolase RPE65; minus strand). Cytogenetic location: 1p31.3.
Variant type: single nucleotide variant.
Coding change: c.1243+1G>A on transcript NM_000329.3 (MANE Select); the canonical splice donor site of the intron after coding-DNA position 1243, G replaced by A.
Molecular consequence: splice donor variant.
Genome position (GRCh38, 1-based): chr1:68,431,470, C>T on the plus strand (G>A on the coding strand, the complement: RPE65 is on the minus strand). VCF-style: chr1-68431470-C-T. GRCh37 (hg19) VCF-style: chr1-68897153-C-T.
Other names: c.967+1G>A (NM_001406857.1, NM_001406856.1); c.1135+1G>A (NM_001406853.1).
Identifiers: ClinVar variation 1066954 (VCV001066954.9), dbSNP rs1421696563, ClinGen allele CA340742782.